The following is an entry in ClinVar:

ClinVar aggregate classification (germline): Benign. Review status: criteria provided, multiple submitters, no conflicts (2 of 4 stars). 3 submissions from 3 submitters: Benign (2). 1 of the submissions does not count toward it. Last evaluated 2026-02-04.

Conditions:
DSCAML1-related disorder. Also called: DSCAML1-related condition.

Allele frequency attached by ClinVar (database versions not stated): 1000 Genomes Project 30x 0.19863; ESP Exome Variant Server 0.13976; TOPMed 0.15172; gnomAD exomes 0.18983 and 0.18342; ExAC 0.19366; 1000 Genomes Project 0.19988.
gnomAD v4.1: 291,385 of 1,611,014 alleles (18%); highest among the groups gnomAD compares: South Asian, 32%; 28,337 homozygotes.

Submissions (3):

Labcorp Genetics (formerly Invitae), Labcorp
Classification: Benign. Last evaluated: 2026-02-04. Review status: criteria provided, single submitter. Criteria: Invitae Variant Classification Sherloc (09022015). Collection method: clinical testing. Allele origin: germline.

Breakthrough Genomics
Classification: Benign. Review status: criteria provided, single submitter. Criteria: ACMG Guidelines, 2015. Collection method: not provided. Allele origin: germline. Inheritance: Unknown mechanism. Affected: yes.

PreventionGenetics, part of Exact Sciences
Classification: Benign for DSCAML1-related condition. Last evaluated: 2019-10-21. Review status: no assertion criteria provided. Collection method: clinical testing. Allele origin: germline. Not counted in ClinVar's aggregate classification.
Comment: This variant is classified as benign based on ACMG/AMP sequence variant interpretation guidelines (Richards et al. 2015 PMID: 25741868, with internal and published modifications).

NM_020693.4(DSCAML1):c.4877-9G>A

Gene: DSCAML1 (DS cell adhesion molecule like 1; minus strand). Cytogenetic location: 11q23.3.
Variant type: single nucleotide variant.
Coding change: c.4877-9G>A on transcript NM_020693.4 (MANE Select); 9 bases into the intron before coding-DNA position 4877, G replaced by A.
Molecular consequence: intron variant.
Genome position (GRCh38, 1-based): chr11:117,433,480, C>T on the plus strand (G>A on the coding strand, the complement: DSCAML1 is on the minus strand). VCF-style: chr11-117433480-C-T. GRCh37 (hg19) VCF-style: chr11-117304196-C-T.
Other names: c.5057-9G>A (NM_020693.3).
Identifiers: ClinVar variation 1595336 (VCV001595336.11), dbSNP rs2242133, ClinGen allele CA6296233.
Genomic context (GRCh38, chr11:117,433,480, plus strand): 5'-AAGCAGCTTGGTGATACCCACCTTATCAACATTTCTGCCAAACTCTTTGCATCTGCAAAA[C>T]AGTAGAGGGAGAGGAGGGCTGGGTGAGAATGAAGTTTGAACAGGATGACAATGGGAGAGG-3'